The following is an entry in ClinVar:

ClinVar aggregate classification (germline): Uncertain significance. Review status: criteria provided, multiple submitters, no conflicts (2 of 4 stars). 2 submissions from 2 submitters: Uncertain significance (2). Last evaluated 2023-12-19.

Conditions:
Inborn genetic diseases. Identifiers: MedGen C0950123, MeSH D030342.

Allele frequency attached by ClinVar (database versions not stated): gnomAD exomes 0.00002; TOPMed 0.00002; ExAC 0.00003; ESP Exome Variant Server 0.00008.
gnomAD v4.1: 37 of 1,613,902 alleles (0.0023%); highest among the groups gnomAD compares: Non-Finnish European, 0.003%; no homozygotes.

Submissions (2):

Ambry Genetics
Classification: Uncertain significance for Inborn genetic diseases. Last evaluated: 2023-12-19. Review status: criteria provided, single submitter. Criteria: Ambry Variant Classification Scheme 2023. Collection method: clinical testing. Allele origin: germline.

Labcorp Genetics (formerly Invitae), Labcorp
Classification: Uncertain significance. Last evaluated: 2021-07-21. Review status: criteria provided, single submitter. Criteria: Invitae Variant Classification Sherloc (09022015). Collection method: clinical testing. Allele origin: germline.
Comment: This variant has not been reported in the literature in individuals affected with LRP6-related conditions. This variant is present in population databases (rs142928914, ExAC 0.006%). This sequence change replaces proline with alanine at codon 591 of the LRP6 protein (p.Pro591Ala). The proline residue is highly conserved and there is a small physicochemical difference between proline and alanine. Algorithms developed to predict the effect of missense changes on protein structure and function (SIFT, PolyPhen-2, Align-GVGD) all suggest that this variant is likely to be tolerated. In summary, the available evidence is currently insufficient to determine the role of this variant in disease. Therefore, it has been classified as a Variant of Uncertain Significance.

NM_002336.3(LRP6):c.1771C>G (p.Pro591Ala)

Gene: LRP6 (LDL receptor related protein 6; minus strand). Cytogenetic location: 12p13.2.
Variant type: single nucleotide variant.
Coding change: c.1771C>G on transcript NM_002336.3 (MANE Select); coding-DNA position 1771, C replaced by G.
Protein change: p.Pro591Ala; replaces proline 591 with alanine.
Molecular consequence: missense variant.
Genome position (GRCh38, 1-based): chr12:12,164,554, G>C on the plus strand (C>G on the coding strand, the complement: LRP6 is on the minus strand). VCF-style: chr12-12164554-G-C. GRCh37 (hg19) VCF-style: chr12-12317488-G-C.
Other names: c.1771C>G (NM_002336.2); short protein forms P591A.
Identifiers: ClinVar variation 1401956 (VCV001401956.9), dbSNP rs142928914, ClinGen allele CA6455585.